The following is an entry in ClinVar:

NM_005546.4(ITK):c.631G>A (p.Val211Ile)

Gene: ITK (IL2 inducible T cell kinase; plus strand). Cytogenetic location: 5q33.3.
Variant type: single nucleotide variant.
Coding change: c.631G>A on transcript NM_005546.4 (MANE Select); coding-DNA position 631, G replaced by A.
Protein change: p.Val211Ile; replaces valine 211 with isoleucine.
Molecular consequence: missense variant.
Genome position (GRCh38, 1-based): chr5:157,222,998, G>A. VCF-style: chr5-157222998-G-A. GRCh37 (hg19) VCF-style: chr5-156650008-G-A.
Other names: short protein forms V211I.
Identifiers: ClinVar variation 2134098 (VCV002134098.2), dbSNP rs142038079, ClinGen allele CA361953305.
Genomic context (GRCh38, chr5:157,222,998, plus strand): 5'-GCACTGCGGCGCAACGAAGAGTACTGCCTGCTGGACAGTTCTGAGATTCACTGGTGGAGA[G>A]TCCAGGACAGGAATGGGTAAGTCATCTTTGTGGCTGCTGTCCCCGTGTTTGAGGTGTGGT-3'
Protein context (NP_005537.3, residues 201-221): LDSSEIHWWR[Val211Ile]QDRNGHEGYV

ClinVar aggregate classification (germline): Uncertain significance (1 of 4 stars; one submission).

Conditions:
Lymphoproliferative syndrome 1 (LPFS1). Identifiers: Orphanet 238505, Orphanet 538963, MedGen C3552634, MONDO:0013081, OMIM 613011.

gnomAD v4.1: 6 of 1,614,148 alleles (0.00037%); highest among the groups gnomAD compares: Non-Finnish European, 0.00051%; no homozygotes.

Submission:

Labcorp Genetics (formerly Invitae), Labcorp
Classification: Uncertain significance for Lymphoproliferative syndrome 1. Last evaluated: 2022-05-20. Review status: criteria provided, single submitter. Criteria: Invitae Variant Classification Sherloc (09022015). Collection method: clinical testing. Allele origin: germline.
Comment: In summary, the available evidence is currently insufficient to determine the role of this variant in disease. Therefore, it has been classified as a Variant of Uncertain Significance. Advanced modeling of protein sequence and biophysical properties (such as structural, functional, and spatial information, amino acid conservation, physicochemical variation, residue mobility, and thermodynamic stability) performed at Invitae indicates that this missense variant is not expected to disrupt ITK protein function. This variant has not been reported in the literature in individuals affected with ITK-related conditions. This variant is not present in population databases (gnomAD no frequency). This sequence change replaces valine, which is neutral and non-polar, with isoleucine, which is neutral and non-polar, at codon 211 of the ITK protein (p.Val211Ile).